The following is an entry in ClinVar:

ClinVar aggregate classification (germline): Likely benign. Review status: criteria provided, multiple submitters, no conflicts (2 of 4 stars). 2 submissions from 2 submitters: Likely benign (2). Last evaluated 2023-01-22.

Allele frequency attached by ClinVar (database versions not stated): gnomAD 0.00001; TOPMed 0.00001; gnomAD exomes 0.00002.
gnomAD v4.1: 23 of 1,613,704 alleles (0.0014%); highest among the groups gnomAD compares: Non-Finnish European, 0.0018%; no homozygotes.

Submissions (2):

Labcorp Genetics (formerly Invitae), Labcorp
Classification: Likely benign. Last evaluated: 2023-01-22. Review status: criteria provided, single submitter. Criteria: Invitae Variant Classification Sherloc (09022015). Collection method: clinical testing. Allele origin: germline.

Laboratory for Molecular Medicine, Mass General Brigham Personalized Medicine
Classification: Likely benign. Last evaluated: 2015-05-28. Review status: criteria provided, single submitter. Criteria: LMM Criteria. Collection method: clinical testing. Allele origin: germline. Observed: 1 variant allele.
Comment: c.787+10T>A in intron 7 of ESRRB: This variant is not expected to have clinical significance because it does not cause the splice site sequence to diverge from consensus.

NM_001379180.1(ESRRB):c.850+10T>A

Gene: ESRRB (estrogen related receptor beta; plus strand). Cytogenetic location: 14q24.3.
Variant type: single nucleotide variant.
Coding change: c.850+10T>A on transcript NM_001379180.1 (MANE Select); 10 bases into the intron after coding-DNA position 850, T replaced by A.
Molecular consequence: intron variant.
Genome position (GRCh38, 1-based): chr14:76,482,769, T>A. VCF-style: chr14-76482769-T-A. GRCh37 (hg19) VCF-style: chr14-76949112-T-A.
Other names: c.787+10T>A (NM_004452.4).
Identifiers: ClinVar variation 227365 (VCV000227365.7), dbSNP rs567273831, ClinGen allele CA10576969.